The following is an entry in ClinVar:

ClinVar aggregate classification (germline): Likely benign. Review status: criteria provided, multiple submitters, no conflicts (2 of 4 stars). 3 submissions from 3 submitters: Likely benign (2). 1 of the submissions does not count toward it. Last evaluated 2024-10-02.

Conditions:
Autosomal recessive nonsyndromic hearing loss 66 (DFNB66). Also called: Deafness, autosomal recessive 66. Identifiers: Orphanet 90636, MedGen C1857750, MONDO:0012442, OMIM 610212.
Isolated neonatal sclerosing cholangitis (NSC). Also called: Sclerosing cholangitis, neonatal. Identifiers: Orphanet 480556, MedGen C4479344, MONDO:0018816, OMIM 617394.
DCDC2-related disorder. Also called: DCDC2-related condition.

Allele frequency attached by ClinVar (database versions not stated): gnomAD exomes 0.00003; gnomAD 0.00005; ExAC 0.00007; TOPMed 0.00008; 1000 Genomes Project 0.00020; 1000 Genomes Project 30x 0.00031.
gnomAD v4.1: 51 of 1,613,892 alleles (0.0032%); highest among the groups gnomAD compares: East Asian, 0.1%; no homozygotes.

Submissions (3):

Blueprint Genetics
Classification: Likely benign. Last evaluated: 2024-10-02. Review status: criteria provided, single submitter. Criteria: ACMG Guidelines, 2015. Collection method: clinical testing. Allele origin: germline.

Labcorp Genetics (formerly Invitae), Labcorp
Classification: Likely benign for Autosomal recessive nonsyndromic hearing loss 66; Isolated neonatal sclerosing cholangitis. Last evaluated: 2023-10-11. Review status: criteria provided, single submitter. Criteria: Invitae Variant Classification Sherloc (09022015). Collection method: clinical testing. Allele origin: germline.

PreventionGenetics, part of Exact Sciences
Classification: Likely benign for DCDC2-related condition. Last evaluated: 2020-12-15. Review status: no assertion criteria provided. Collection method: clinical testing. Allele origin: germline. Not counted in ClinVar's aggregate classification.
Comment: This variant is classified as likely benign based on ACMG/AMP sequence variant interpretation guidelines (Richards et al. 2015 PMID: 25741868, with internal and published modifications).

NM_016356.5(DCDC2):c.366T>C (p.His122=)

Gene: DCDC2 (doublecortin domain containing 2; minus strand). Cytogenetic location: 6p22.3.
Variant type: single nucleotide variant.
Coding change: c.366T>C on transcript NM_016356.5 (MANE Select); coding-DNA position 366, T replaced by C.
Protein change: p.His122=; no amino-acid change (histidine 122 retained).
Molecular consequence: synonymous variant.
Genome position (GRCh38, 1-based): chr6:24,302,027, A>G on the plus strand (T>C on the coding strand, the complement: DCDC2 is on the minus strand). VCF-style: chr6-24302027-A-G. GRCh37 (hg19) VCF-style: chr6-24302255-A-G.
Other names: c.366T>C, p.His122= (NM_001195610.2); c.366T>C (NM_016356.4).
Identifiers: ClinVar variation 2047908 (VCV002047908.7), dbSNP rs200657247, ClinGen allele CA3654787.